The following is an entry in ClinVar:

ClinVar aggregate classification (germline): Uncertain significance. Review status: criteria provided, multiple submitters, no conflicts (2 of 4 stars). 2 submissions from 2 submitters: Uncertain significance (2). Last evaluated 2022-07-27.

Conditions:
Senior-Loken syndrome 7 (SLSN7). Identifiers: Orphanet 3156, MedGen C3150877, MONDO:0013326, OMIM 613615.
Bardet-Biedl syndrome 16 (BBS16). Identifiers: Orphanet 110, MedGen C3889474, MONDO:0014444, OMIM 615993.

Allele frequency attached by ClinVar (database versions not stated): gnomAD exomes below 0.00001; gnomAD 0.00001; ExAC 0.00002; TOPMed 0.00002; 1000 Genomes Project 30x 0.00016; 1000 Genomes Project 0.00020.
gnomAD v4.1: 6 of 1,608,890 alleles (0.00037%); highest among the groups gnomAD compares: East Asian, 0.011%; no homozygotes.

Submissions (2):

Blueprint Genetics
Classification: Uncertain significance. Last evaluated: 2022-07-27. Review status: criteria provided, single submitter. Criteria: ACMG Guidelines, 2015. Collection method: clinical testing. Allele origin: germline.

Labcorp Genetics (formerly Invitae), Labcorp
Classification: Uncertain significance for Bardet-Biedl syndrome 16; Senior-Loken syndrome 7. Last evaluated: 2022-04-09. Review status: criteria provided, single submitter. Criteria: Invitae Variant Classification Sherloc (09022015). Collection method: clinical testing. Allele origin: germline.
Comment: Algorithms developed to predict the effect of missense changes on protein structure and function (SIFT, PolyPhen-2, Align-GVGD) all suggest that this variant is likely to be tolerated. In summary, the available evidence is currently insufficient to determine the role of this variant in disease. Therefore, it has been classified as a Variant of Uncertain Significance. This sequence change replaces tyrosine, which is neutral and polar, with asparagine, which is neutral and polar, at codon 586 of the SDCCAG8 protein (p.Tyr586Asn). This variant is present in population databases (rs542690685, gnomAD 0.02%). This variant has not been reported in the literature in individuals affected with SDCCAG8-related conditions.

NM_006642.5(SDCCAG8):c.1756T>A (p.Tyr586Asn)

Gene: SDCCAG8 (SHH signaling and ciliogenesis regulator SDCCAG8; plus strand). Cytogenetic location: 1q43.
Variant type: single nucleotide variant.
Coding change: c.1756T>A on transcript NM_006642.5 (MANE Select); coding-DNA position 1756, T replaced by A.
Protein change: p.Tyr586Asn; replaces tyrosine 586 with asparagine.
Molecular consequence: missense variant.
Genome position (GRCh38, 1-based): chr1:243,417,979, T>A. VCF-style: chr1-243417979-T-A. GRCh37 (hg19) VCF-style: chr1-243581281-T-A.
Other names: c.853T>A, p.Tyr285Asn (NM_001350246.2, NM_001350247.2, NM_001350251.2); c.1852T>A, p.Tyr618Asn (NM_001350248.2); c.1462T>A, p.Tyr488Asn (NM_001350249.2); short protein forms Y285N, Y488N, Y586N, Y618N.
Identifiers: ClinVar variation 1970775 (VCV001970775.6), dbSNP rs542690685, ClinGen allele CA1483733.